The following is an entry in ClinVar:

ClinVar aggregate classification (germline): Pathogenic (1 of 4 stars; one submission).

Conditions:
Pan-Chung-Bellen syndrome. Identifiers: MedGen C5975547, MONDO:0975953, OMIM 621049.

Submission:

Institute of Human Genetics, University of Leipzig Medical Center
Classification: Pathogenic for Pan-Chung-Bellen syndrome. Last evaluated: 2025-03-04. Review status: criteria provided, single submitter. Criteria: ACMG Guidelines, 2015. Collection method: clinical testing. Allele origin: unknown. Inheritance: Autosomal dominant inheritance. Affected: yes.
Comment: Criteria applied: PVS1,PM2

NM_015030.2(FRYL):c.3568_3569insTT (p.Lys1190fs)

Gene: FRYL (FRY like transcription coactivator; minus strand). Cytogenetic location: 4p11.
Variant type: Insertion.
Coding change: c.3568_3569insTT on transcript NM_015030.2 (MANE Select); coding-DNA positions 3568 to 3569, TT inserted.
Protein change: p.Lys1190fs; shifts the reading frame from lysine 1190.
Molecular consequence: frameshift variant.
Genome position: GRCh38 VCF-style: chr4-48563975-T-TAA. GRCh37 (hg19) VCF-style: chr4-48565992-T-TAA.
Other names: short protein forms K1190fs.
Identifiers: ClinVar variation 3773723 (VCV003773723.2).